The following is an entry in ClinVar:

ClinVar aggregate classification (germline): Uncertain significance. Review status: criteria provided, multiple submitters, no conflicts (2 of 4 stars). 2 submissions from 2 submitters: Uncertain significance (2). Last evaluated 2026-01-20.

Conditions:
Dyskeratosis congenita, autosomal dominant 2. Identifiers: MedGen C3151443, MONDO:0013521, OMIM 613989.
Idiopathic Pulmonary Fibrosis. Also called: Idiopathic fibrosing alveolitis, chronic form; idiopathic fibrosing alveolitis. Identifiers: Orphanet 2032, MedGen C1800706, MeSH D054990, MONDO:0800504.
Dyskeratosis congenita. Identifiers: Orphanet 1775, MedGen C0265965, MONDO:0015780.

Allele frequency attached by ClinVar (database versions not stated): gnomAD exomes below 0.00001.
gnomAD v4.1: 1 of 1,613,588 alleles (0.000062%); highest among the groups gnomAD compares: Non-Finnish European, 0.000085%; no homozygotes.

Submissions (2):

Labcorp Genetics (formerly Invitae), Labcorp
Classification: Uncertain significance for Dyskeratosis congenita, autosomal dominant 2; Idiopathic Pulmonary Fibrosis. Last evaluated: 2026-01-20. Review status: criteria provided, single submitter. Criteria: Invitae Variant Classification Sherloc (09022015). Collection method: clinical testing. Allele origin: germline.
Comment: This sequence change replaces alanine, which is neutral and non-polar, with threonine, which is neutral and polar, at codon 604 of the TERT protein (p.Ala604Thr). This variant is not present in population databases (gnomAD no frequency). This variant has not been reported in the literature in individuals affected with TERT-related conditions. ClinVar contains an entry for this variant (Variation ID: 1518749). Invitae Evidence Modeling of protein sequence and biophysical properties (such as structural, functional, and spatial information, amino acid conservation, physicochemical variation, residue mobility, and thermodynamic stability) indicates that this missense variant is not expected to disrupt TERT protein function with a negative predictive value of 95%. In summary, the available evidence is currently insufficient to determine the role of this variant in disease. Therefore, it has been classified as a Variant of Uncertain Significance.

Ambry Genetics
Classification: Uncertain significance for Dyskeratosis congenita. Last evaluated: 2025-03-21. Review status: criteria provided, single submitter. Criteria: Ambry Variant Classification Scheme 2023. Collection method: clinical testing. Allele origin: germline.
Comment: The p.A604T variant (also known as c.1810G>A), located in coding exon 4 of the TERT gene, results from a G to A substitution at nucleotide position 1810. The alanine at codon 604 is replaced by threonine, an amino acid with similar properties. This amino acid position is not well conserved in available vertebrate species. In addition, this alteration is predicted to be tolerated by in silico analysis. Based on the available evidence, the clinical significance of this variant remains unclear.

NM_198253.3(TERT):c.1810G>A (p.Ala604Thr)

Gene: TERT (telomerase reverse transcriptase; minus strand). Cytogenetic location: 5p15.33.
Variant type: single nucleotide variant.
Coding change: c.1810G>A on transcript NM_198253.3 (MANE Select); coding-DNA position 1810, G replaced by A.
Protein change: p.Ala604Thr; replaces alanine 604 with threonine.
Molecular consequence: missense variant. On other transcripts: non-coding transcript variant (2).
Genome position (GRCh38, 1-based): chr5:1,280,298, C>T on the plus strand (G>A on the coding strand, the complement: TERT is on the minus strand). VCF-style: chr5-1280298-C-T. GRCh37 (hg19) VCF-style: chr5-1280413-C-T.
Other names: c.1810G>A, p.Ala604Thr (NM_001193376.3); short protein forms A604T.
Identifiers: ClinVar variation 1518749 (VCV001518749.9), dbSNP rs2126644638, ClinGen allele CA359082000.
Genomic context (GRCh38, chr5:1,280,298, plus strand): 5'-TGAAGCGGAGTCTGGACGTCAGCAGGGCGGGCCTGGCTTCCCGATGCTGCCTGACCTCTG[C>T]TTCCGACAGCTCCCGCAGCTGCACCCTCTTCAAGTGCTGTCTGCAATAGAGAGCCCCTCA-3'
Protein context (NP_937983.2, residues 594-614): KRVQLRELSE[Ala604Thr]EVRQHREARP